The following is an entry in ClinVar:

NM_020778.5(ALPK3):c.514A>G (p.Met172Val)

Gene: ALPK3 (alpha kinase 3; plus strand). Cytogenetic location: 15q25.3.
Variant type: single nucleotide variant.
Coding change: c.514A>G on transcript NM_020778.5 (MANE Select); coding-DNA position 514, A replaced by G.
Protein change: p.Met172Val; replaces methionine 172 with valine.
Molecular consequence: missense variant.
Genome position (GRCh38, 1-based): chr15:84,839,793, A>G. VCF-style: chr15-84839793-A-G. GRCh37 (hg19) VCF-style: chr15-85383024-A-G.
Other names: short protein forms M172V.
Identifiers: ClinVar variation 3227439 (VCV003227439.2), dbSNP rs762131213, ClinGen allele CA7708990.

ClinVar aggregate classification (germline): Uncertain significance. Review status: criteria provided, multiple submitters, no conflicts (2 of 4 stars). 2 submissions from 2 submitters: Uncertain significance (2). Last evaluated 2026-02-10.

Conditions:
Cardiovascular phenotype. Identifiers: MedGen CN230736.

Allele frequency attached by ClinVar (database versions not stated): ExAC 0.00001; gnomAD exomes 0.00001.

Submissions (2):

GeneDx
Classification: Uncertain significance. Last evaluated: 2026-02-10. Review status: criteria provided, single submitter. Criteria: GeneDx Variant Classification Process June 2021. Collection method: clinical testing. Allele origin: germline.
Comment: Not observed at significant frequency in large population cohorts (gnomAD); In silico analysis suggests that this missense variant does not alter protein structure/function; Has not been previously published as pathogenic or benign to our knowledge

Ambry Genetics
Classification: Uncertain significance for Cardiovascular phenotype. Last evaluated: 2023-10-02. Review status: criteria provided, single submitter. Criteria: Ambry Variant Classification Scheme 2023. Collection method: clinical testing. Allele origin: germline.
Comment: The p.M374V variant (also known as c.1120A>G), located in coding exon 5 of the ALPK3 gene, results from an A to G substitution at nucleotide position 1120. The methionine at codon 374 is replaced by valine, an amino acid with highly similar properties. This amino acid position is conserved. In addition, the in silico prediction for this alteration is inconclusive. Since supporting evidence is limited at this time, the clinical significance of this alteration remains unclear.